The following is an entry in ClinVar:

NM_004064.5(CDKN1B):c.43C>T (p.Arg15Trp)

Gene: CDKN1B (cyclin dependent kinase inhibitor 1B; plus strand). Cytogenetic location: 12p13.1.
Variant type: single nucleotide variant.
Coding change: c.43C>T on transcript NM_004064.5 (MANE Select); coding-DNA position 43, C replaced by T.
Protein change: p.Arg15Trp; replaces arginine 15 with tryptophan.
Molecular consequence: missense variant.
Genome position (GRCh38, 1-based): chr12:12,717,882, C>T. VCF-style: chr12-12717882-C-T. GRCh37 (hg19) VCF-style: chr12-12870816-C-T.
Other names: short protein forms R15W.
Identifiers: ClinVar variation 469026 (VCV000469026.17), dbSNP rs2066828, ClinGen allele CA6457369.

ClinVar aggregate classification (germline): Uncertain significance. Review status: criteria provided, multiple submitters, no conflicts (2 of 4 stars). 6 submissions from 6 submitters: Uncertain significance (6). Last evaluated 2025-12-27.

Conditions:
Multiple endocrine neoplasia type 4. Also called: MULTIPLE ENDOCRINE NEOPLASIA, TYPE IV. Identifiers: Orphanet 276152, MedGen C1970712, MONDO:0012552, OMIM 610755.
Hereditary cancer-predisposing syndrome. Also called: Hereditary neoplastic syndrome; Neoplastic Syndromes, Hereditary; Tumor predisposition; Hereditary Cancer Syndrome. Identifiers: Orphanet 140162, MedGen C0027672, MeSH D009386, MONDO:0015356.

Allele frequency attached by ClinVar (database versions not stated): gnomAD exomes below 0.00001; TOPMed below 0.00001; ExAC 0.00001; gnomAD 0.00001; ESP Exome Variant Server 0.00008.

Submissions (6):

Labcorp Genetics (formerly Invitae), Labcorp
Classification: Uncertain significance for Multiple endocrine neoplasia type 4. Last evaluated: 2025-12-27. Review status: criteria provided, single submitter. Criteria: Invitae Variant Classification Sherloc (09022015). Collection method: clinical testing. Allele origin: germline.
Comment: This sequence change replaces arginine, which is basic and polar, with tryptophan, which is neutral and slightly polar, at codon 15 of the CDKN1B protein (p.Arg15Trp). This variant is present in population databases (rs2066828, gnomAD 0.0009%). This variant has not been reported in the literature in individuals affected with CDKN1B-related conditions. ClinVar contains an entry for this variant (Variation ID: 469026). An algorithm developed to predict the effect of missense changes on protein structure and function (PolyPhen-2) suggests that this variant is likely to be disruptive. In summary, the available evidence is currently insufficient to determine the role of this variant in disease. Therefore, it has been classified as a Variant of Uncertain Significance.

Ambry Genetics
Classification: Uncertain significance for Hereditary cancer-predisposing syndrome. Last evaluated: 2024-04-17. Review status: criteria provided, single submitter. Criteria: Ambry Variant Classification Scheme 2023. Collection method: clinical testing. Allele origin: germline.
Comment: The p.R15W variant (also known as c.43C>T), located in coding exon 1 of the CDKN1B gene, results from a C to T substitution at nucleotide position 43. The arginine at codon 15 is replaced by tryptophan, an amino acid with dissimilar properties. This amino acid position is highly conserved in available vertebrate species. In addition, this alteration is predicted to be deleterious by in silico analysis. Since supporting evidence is limited at this time, the clinical significance of this alteration remains unclear.

Baylor Genetics
Classification: Uncertain significance for Multiple endocrine neoplasia type 4. Last evaluated: 2024-03-18. Review status: criteria provided, single submitter. Criteria: ACMG Guidelines, 2015. Collection method: clinical testing. Allele origin: unknown.

Fulgent Genetics
Classification: Uncertain significance for Multiple endocrine neoplasia type 4. Last evaluated: 2024-03-13. Review status: criteria provided, single submitter. Criteria: ACMG Guidelines, 2015. Collection method: clinical testing. Allele origin: germline.

GeneDx
Classification: Uncertain significance. Last evaluated: 2023-06-14. Review status: criteria provided, single submitter. Criteria: GeneDx Variant Classification Process June 2021. Collection method: clinical testing. Allele origin: germline. Affected: yes.
Comment: Not observed at significant frequency in large population cohorts (gnomAD); In silico analysis supports that this missense variant has a deleterious effect on protein structure/function; Has not been previously published as pathogenic or benign to our knowledge; This variant is associated with the following publications: (PMID: 33140857)

Sema4
Classification: Uncertain significance for Hereditary cancer-predisposing syndrome. Last evaluated: 2022-02-09. Review status: criteria provided, single submitter. Criteria: Sema4 Curation Guidelines. Collection method: curation. Allele origin: germline.
Comment: The CDKN1B c.43C>T (p.R15W) variant has not been reported in the literature to our knowledge. This variant was observed in 1/113090 chromosomes in the Non-Finnish European population, according to the Genome Aggregation Database (PMID: 32461654). The variant has been reported in ClinVar (Variation ID: 469026). Functional studies have not been performed, and in silico predictions of the variant's effect on protein function are inconclusive. The evidence is insufficient to meet ACMG/AMP criteria for classifying the variant as benign or pathogenic. Thus, the clinical significance of this variant is currently uncertain.